The following is an entry in ClinVar:

ClinVar aggregate classification (germline): Pathogenic (1 of 4 stars; one submission).

Conditions:
Werner syndrome (WRN). Identifiers: Orphanet 902, MedGen C0043119, MONDO:0010196, OMIM 277700.

Submission:

Labcorp Genetics (formerly Invitae), Labcorp
Classification: Pathogenic for Werner syndrome. Last evaluated: 2022-11-01. Review status: criteria provided, single submitter. Criteria: Invitae Variant Classification Sherloc (09022015). Collection method: clinical testing. Allele origin: germline.
Comment: For these reasons, this variant has been classified as Pathogenic. ClinVar contains an entry for this variant (Variation ID: 655857). This variant has not been reported in the literature in individuals affected with WRN-related conditions. This variant is not present in population databases (gnomAD no frequency). This sequence change creates a premature translational stop signal (p.Gln1313*) in the WRN gene. It is expected to result in an absent or disrupted protein product. Loss-of-function variants in WRN are known to be pathogenic (PMID: 16673358).

Literature cited by the submitters: PubMed 16673358.

NM_000553.6(WRN):c.3937C>T (p.Gln1313Ter)

Gene: WRN (WRN RecQ like helicase; plus strand). Cytogenetic location: 8p12.
Variant type: single nucleotide variant.
Coding change: c.3937C>T on transcript NM_000553.6 (MANE Select); coding-DNA position 3937, C replaced by T.
Protein change: p.Gln1313Ter; replaces glutamine 1313 with a stop codon.
Molecular consequence: nonsense.
Genome position (GRCh38, 1-based): chr8:31,157,485, C>T. VCF-style: chr8-31157485-C-T. GRCh37 (hg19) VCF-style: chr8-31015001-C-T.
Other names: short protein forms Q1313*.
Identifiers: ClinVar variation 655857 (VCV000655857.5), dbSNP rs1585536813, ClinGen allele CA370929535.